The following is an entry in ClinVar:

ClinVar aggregate classification (germline): Likely benign (1 of 4 stars; one submission).

Allele frequency attached by ClinVar (database versions not stated): 1000 Genomes Project 30x 0.00016; 1000 Genomes Project 0.00020; ESP Exome Variant Server 0.00209.
gnomAD v4.1: 3,881 of 1,593,632 alleles (0.24%); highest among the groups gnomAD compares: Non-Finnish European, 0.29%; 5 homozygotes.

Submission:

CeGaT Center for Human Genetics Tuebingen
Classification: Likely benign. Last evaluated: 2022-09-01. Review status: criteria provided, single submitter. Criteria: CeGaT Center For Human Genetics Tuebingen Variant Classification Criteria Version 2. Collection method: clinical testing. Allele origin: germline. Affected: yes. Observed: 2 variant alleles.
Comment: KLHL1: BP4, BP7

NM_020866.3(KLHL1):c.99G>A (p.Ala33=)

Genes: ATXN8OS (ATXN8 opposite strand lncRNA; plus strand), KLHL1 (kelch like family member 1; minus strand). Cytogenetic location: 13q21.33.
Variant type: single nucleotide variant.
Coding change: c.99G>A on transcript NM_020866.3 (MANE Select); coding-DNA position 99, G replaced by A.
Protein change: p.Ala33=; no amino-acid change (alanine 33 retained).
Molecular consequence: synonymous variant.
Genome position (GRCh38, 1-based): chr13:70,107,601, C>T on the plus strand (G>A on the coding strand, the complement: KLHL1 is on the minus strand). VCF-style: chr13-70107601-C-T. GRCh37 (hg19) VCF-style: chr13-70681733-C-T.
Other names: c.99G>A, p.Ala33= (NM_001286725.2).
Identifiers: ClinVar variation 1176326 (VCV001176326.35), dbSNP rs139358653, ClinGen allele CA6999598.